The following is an entry in ClinVar:

NM_001148.6(ANK2):c.9366G>T (p.Arg3122Ser)

Gene: ANK2 (ankyrin 2; plus strand). Cytogenetic location: 4q26.
Variant type: single nucleotide variant.
Coding change: c.9366G>T on transcript NM_001148.6 (MANE Select); coding-DNA position 9366, G replaced by T.
Protein change: p.Arg3122Ser; replaces arginine 3122 with serine.
Molecular consequence: missense variant. On other transcripts: intron variant (68).
Genome position (GRCh38, 1-based): chr4:113,357,984, G>T. VCF-style: chr4-113357984-G-T. GRCh37 (hg19) VCF-style: chr4-114279140-G-T.
Other names: c.9132G>T, p.Arg3044Ser (NM_001386142.1); c.5766G>T, p.Arg1922Ser (NM_001386166.1); c.9507G>T, p.Arg3169Ser (NM_001386174.1); c.9483G>T, p.Arg3161Ser (NM_001386175.1); c.4412-2839G>T (NM_001386186.2, NM_001386148.2); c.4214-2839G>T (NM_001354269.3); c.4292-2839G>T (NM_001386187.2); c.4253-2839G>T (NM_001386147.1); and 35 more; short protein forms R1922S, R3044S, R3161S, R3122S, R3169S.
Identifiers: ClinVar variation 3700922 (VCV003700922.2).

ClinVar aggregate classification (germline): Uncertain significance (1 of 4 stars; one submission).

Conditions:
Long QT syndrome (LQTS). Identifiers: MedGen C0023976, MeSH D008133, MONDO:0002442. Disease mechanism: loss of function. Inheritance: Various modes of inheritance.

gnomAD v4.1: 1 of 1,614,044 alleles (0.000062%); highest among the groups gnomAD compares: South Asian, 0.0011%; no homozygotes.

Submission:

Labcorp Genetics (formerly Invitae), Labcorp
Classification: Uncertain significance for Long QT syndrome. Last evaluated: 2024-10-30. Review status: criteria provided, single submitter. Criteria: Invitae Variant Classification Sherloc (09022015). Collection method: clinical testing. Allele origin: germline.
Comment: This sequence change replaces arginine, which is basic and polar, with serine, which is neutral and polar, at codon 3122 of the ANK2 protein (p.Arg3122Ser). This variant is present in population databases (no rsID available, gnomAD 0.003%). This variant has not been reported in the literature in individuals affected with ANK2-related conditions. An algorithm developed to predict the effect of missense changes on protein structure and function (PolyPhen-2) suggests that this variant is likely to be disruptive. In summary, the available evidence is currently insufficient to determine the role of this variant in disease. Therefore, it has been classified as a Variant of Uncertain Significance.